The following is an entry in ClinVar:

ClinVar aggregate classification (germline): Uncertain significance. Review status: criteria provided, multiple submitters, no conflicts (2 of 4 stars). 2 submissions from 2 submitters: Uncertain significance (2). Last evaluated 2026-06-10.

Conditions:
Pheochromocytoma/paraganglioma syndrome 5. Also called: Paragangliomas 5; SDHA-Related Hereditary Paraganglioma-Pheochromocytoma Syndrome. Identifiers: Orphanet 29072, MedGen C3279992, MONDO:0013602, OMIM 614165.
Mitochondrial complex II deficiency, nuclear type 1. Also called: SUCCINATE CoQ REDUCTASE DEFICIENCY. Identifiers: Orphanet 3208, MedGen C5700310, MONDO:0100294, OMIM 252011.
Hereditary cancer-predisposing syndrome. Also called: Tumor predisposition; Hereditary neoplastic syndrome; Neoplastic Syndromes, Hereditary; Hereditary Cancer Syndrome. Identifiers: Orphanet 140162, MedGen C0027672, MeSH D009386, MONDO:0015356.

Submissions (2):

Ambry Genetics
Classification: Uncertain significance for Hereditary cancer-predisposing syndrome. Last evaluated: 2026-06-10. Review status: criteria provided, single submitter. Criteria: Ambry Variant Classification Scheme 2023. Collection method: clinical testing. Allele origin: germline.
Comment: The p.D223H variant (also known as c.667G>C), located in coding exon 6 of the SDHA gene, results from a G to C substitution at nucleotide position 667. The aspartic acid at codon 223 is replaced by histidine, an amino acid with similar properties. This amino acid position is highly conserved in available vertebrate species. In addition, this alteration is predicted to be deleterious by in silico analysis. Based on the available evidence, the clinical significance of this variant remains unclear.

Labcorp Genetics (formerly Invitae), Labcorp
Classification: Uncertain significance for Pheochromocytoma/paraganglioma syndrome 5; Mitochondrial complex II deficiency, nuclear type 1. Last evaluated: 2025-03-19. Review status: criteria provided, single submitter. Criteria: Invitae Variant Classification Sherloc (09022015). Collection method: clinical testing. Allele origin: germline.
Comment: This sequence change replaces aspartic acid, which is acidic and polar, with histidine, which is basic and polar, at codon 223 of the SDHA protein (p.Asp223His). This variant is not present in population databases (gnomAD no frequency). This variant has not been reported in the literature in individuals affected with SDHA-related conditions. ClinVar contains an entry for this variant (Variation ID: 826550). Invitae Evidence Modeling of protein sequence and biophysical properties (such as structural, functional, and spatial information, amino acid conservation, physicochemical variation, residue mobility, and thermodynamic stability) has been performed for this missense variant. However, the output from this modeling did not meet the statistical confidence thresholds required to predict the impact of this variant on SDHA protein function. In summary, the available evidence is currently insufficient to determine the role of this variant in disease. Therefore, it has been classified as a Variant of Uncertain Significance.

NM_004168.4(SDHA):c.667G>C (p.Asp223His)

Gene: SDHA (succinate dehydrogenase complex flavoprotein subunit A; plus strand). Cytogenetic location: 5p15.33.
Variant type: single nucleotide variant.
Coding change: c.667G>C on transcript NM_004168.4 (MANE Select); coding-DNA position 667, G replaced by C.
Protein change: p.Asp223His; replaces aspartic acid 223 with histidine.
Molecular consequence: missense variant.
Genome position (GRCh38, 1-based): chr5:228,230, G>C. VCF-style: chr5-228230-G-C. GRCh37 (hg19) VCF-style: chr5-228345-G-C.
Other names: c.523G>C, p.Asp175His (NM_001294332.2); c.667G>C, p.Asp223His (NM_001330758.2); short protein forms D223H, D175H.
Identifiers: ClinVar variation 826550 (VCV000826550.14), dbSNP rs1579391108, ClinGen allele CA359010892.
Genomic context (GRCh38, chr5:228,230, plus strand): 5'-TTTCCTTTCTTTTAGTCTCTGCGATATGATACCAGCTATTTTGTGGAGTATTTTGCCTTG[G>C]ATCTCCTGATGGAGAATGGGGAGTGCCGTGGTGTCATCGCACTGTGCATAGAGGACGGGT-3'
Protein context (NP_004159.2, residues 213-233): TSYFVEYFAL[Asp223His]LLMENGECRG